The following is an entry in ClinVar:

NM_025137.4(SPG11):c.5358G>A (p.Glu1786=)

Gene: SPG11 (SPG11 vesicle trafficking associated, spatacsin; minus strand). Cytogenetic location: 15q21.1.
Variant type: single nucleotide variant.
Coding change: c.5358G>A on transcript NM_025137.4 (MANE Select); coding-DNA position 5358, G replaced by A.
Protein change: p.Glu1786=; no amino-acid change (glutamic acid 1786 retained).
Molecular consequence: synonymous variant.
Genome position (GRCh38, 1-based): chr15:44,584,322, C>T on the plus strand (G>A on the coding strand, the complement: SPG11 is on the minus strand). VCF-style: chr15-44584322-C-T. GRCh37 (hg19) VCF-style: chr15-44876520-C-T.
Other names: c.5358G>A, p.Glu1786= (NM_001160227.2); c.5214G>A, p.Glu1738= (NM_001411132.1).
Identifiers: ClinVar variation 3571636 (VCV003571636.2).

ClinVar aggregate classification (germline): Conflicting classifications of pathogenicity. Review status: criteria provided, conflicting classifications (1 of 4 stars). 2 submissions from 2 submitters: Uncertain significance (1); Likely benign (1). Last evaluated 2026-01-20.

Conditions:
Hereditary spastic paraplegia 11. Also called: Spastic paraplegia, mental retardation and thin corpus callosum; Spastic Paraplegia 11; SPASTIC PARAPLEGIA, AUTOSOMAL RECESSIVE, COMPLICATED, WITH THIN CORPUS CALLOSUM; SPASTIC PARAPLEGIA, AUTOSOMAL RECESSIVE, WITH MENTAL IMPAIRMENT AND THIN CORPUS CALLOSUM; Nakamura Osame syndrome; Autosomal recessive hereditary spastic paraplegia, mental impairment, and thin corpus callosum. Identifiers: Orphanet 2822, MedGen C1858479, MONDO:0011445, OMIM 604360.

Submissions (2):

Labcorp Genetics (formerly Invitae), Labcorp
Classification: Likely benign for Hereditary spastic paraplegia 11. Last evaluated: 2026-01-20. Review status: criteria provided, single submitter. Criteria: Invitae Variant Classification Sherloc (09022015). Collection method: clinical testing. Allele origin: germline.

Athena Diagnostics
Classification: Uncertain significance. Last evaluated: 2024-05-29. Review status: criteria provided, single submitter. Criteria: Athena Diagnostics Criteria. Collection method: clinical testing. Allele origin: unknown.
Comment: Available data are insufficient to determine the clinical significance of the variant at this time. This variant has not been reported in large, multi-ethnic general populations. Computational tools yielded predictions that this variant is unlikely to have an effect on normal RNA splicing.